The following is an entry in ClinVar:

ClinVar aggregate classification (germline): Uncertain significance. Review status: criteria provided, multiple submitters, no conflicts (2 of 4 stars). 3 submissions from 3 submitters: Uncertain significance (3). Last evaluated 2026-07-27.

Conditions:
GLA-related disorder. Also called: GLA-related condition.
Cardiovascular phenotype. Identifiers: MedGen CN230736.
Fabry disease. Also called: Ceramide trihexosidosis; Fabry's disease; ALPHA-GALACTOSIDASE A DEFICIENCY; ANDERSON-FABRY DISEASE; CERAMIDE TRIHEXOSIDASE DEFICIENCY; GLA DEFICIENCY. Identifiers: Orphanet 324, MedGen C0002986, MONDO:0010526, OMIM 301500, HP:0001071. Disease mechanism: Fabry disease is due to inactivating mutations in the X-linked GLA gene resulting in deficiency of the enzyme Alpha Galactosidase-A., loss of function.

Allele frequency attached by ClinVar (database versions not stated): TOPMed below 0.00001.

Submissions (3):

PreventionGenetics, part of Exact Sciences
Classification: Uncertain significance for GLA-related condition. Last evaluated: 2026-07-27. Review status: criteria provided, single submitter. Criteria: ACMG Guidelines, 2015. Collection method: clinical testing. Allele origin: germline.
Comment: The GLA c.17C>G variant is predicted to result in the amino acid substitution p.Pro6Arg. To our knowledge, this variant has not been reported in the literature or in a large population database (gnomAD), indicating this variant is rare. At this time, the clinical significance of this variant is uncertain due to the absence of conclusive functional and genetic evidence.

Labcorp Genetics (formerly Invitae), Labcorp
Classification: Uncertain significance for Fabry disease. Last evaluated: 2021-07-26. Review status: criteria provided, single submitter. Criteria: Invitae Variant Classification Sherloc (09022015). Collection method: clinical testing. Allele origin: germline.
Comment: This sequence change replaces proline with arginine at codon 6 of the GLA protein (p.Pro6Arg). The proline residue is weakly conserved and there is a moderate physicochemical difference between proline and arginine. Algorithms developed to predict the effect of missense changes on protein structure and function output the following: SIFT: "Tolerated"; PolyPhen-2: "Benign"; Align-GVGD: "Class C0". The arginine amino acid residue is found in multiple mammalian species, suggesting that this missense change does not adversely affect protein function. These predictions have not been confirmed by published functional studies and their clinical significance is uncertain. This variant has not been reported in the literature in individuals with GLA-related conditions. This variant is not present in population databases (ExAC no frequency). In summary, the available evidence is currently insufficient to determine the role of this variant in disease. Therefore, it has been classified as a Variant of Uncertain Significance.

Ambry Genetics
Classification: Uncertain significance for Cardiovascular phenotype. Last evaluated: 2019-06-07. Review status: criteria provided, single submitter. Criteria: Ambry Variant Classification Scheme 2023. Collection method: clinical testing. Allele origin: germline.
Comment: The p.P6R variant (also known as c.17C>G), located in coding exon 1 of the GLA gene, results from a C to G substitution at nucleotide position 17. The proline at codon 6 is replaced by arginine, an amino acid with dissimilar properties. This amino acid position is poorly conserved in available vertebrate species, and arginine is the reference amino acid in other vertebrate species. In addition, this alteration is predicted to be tolerated by in silico analysis. Since supporting evidence is limited at this time, the clinical significance of this alteration remains unclear.

NM_000169.3(GLA):c.17C>G (p.Pro6Arg)

Genes: GLA (galactosidase alpha; minus strand), RPL36A-HNRNPH2 (RPL36A-HNRNPH2 readthrough; plus strand). Cytogenetic location: Xq22.1.
Variant type: single nucleotide variant.
Coding change: c.17C>G on transcript NM_000169.3 (MANE Select); coding-DNA position 17, C replaced by G.
Protein change: p.Pro6Arg; replaces proline 6 with arginine.
Molecular consequence: missense variant. On other transcripts: non-coding transcript variant (3), intron variant (2).
Genome position (GRCh38, 1-based): chrX:101,407,887, G>C on the plus strand (C>G on the coding strand, the complement: GLA is on the minus strand). VCF-style: chrX-101407887-G-C. GRCh37 (hg19) VCF-style: chrX-100662875-G-C.
Other names: c.301-4049G>C (NM_001199973.2); c.178-4049G>C (NM_001199974.2); c.17C>G, p.Pro6Arg (NM_001406747.1, NM_001406748.1, NM_001406749.1); short protein forms P6R.
Identifiers: ClinVar variation 1062738 (VCV001062738.14), dbSNP rs1928600137, ClinGen allele CA413937876.
Genomic context (GRCh38, chrX:101,407,887, plus strand): 5'-ATGTCCCAGGAAACGAGGGCCAGGAAGCGAAGCGCAAGCGCGCAGCCCAGATGTAGTTCT[G>C]GGTTCCTCAGCTGCATTGTCACGGTGACCGGACAGCATAAATTTCCGCGGGTAACCTGGG-3'
Protein context (NP_000160.1, residues 1-16): MQLRN[Pro6Arg]ELHLGCALAL